The following is an entry in ClinVar:

NM_001144967.3(NEDD4L):c.327C>A (p.Asp109Glu)

Genes: NEDD4L (NEDD4 like E3 ubiquitin protein ligase; plus strand), LOC126862763 (CDK7 strongly-dependent group 2 enhancer GRCh37_chr18:55982687-55983886; plus strand). Cytogenetic location: 18q21.31.
Variant type: single nucleotide variant.
Coding change: c.327C>A on transcript NM_001144967.3 (MANE Select); coding-DNA position 327, C replaced by A.
Protein change: p.Asp109Glu; replaces aspartic acid 109 with glutamic acid.
Molecular consequence: missense variant. On other transcripts: 5 prime UTR variant (5).
Genome position (GRCh38, 1-based): chr18:58,316,011, C>A. VCF-style: chr18-58316011-C-A. GRCh37 (hg19) VCF-style: chr18-55983243-C-A.
Other names: c.327C>A (NM_015277.5); c.-37C>A (NM_001144964.1, NM_001144965.2, NM_001144966.3 and 2 more transcripts); c.303C>A, p.Asp101Glu (NM_001144968.2, NM_001144969.2); c.327C>A, p.Asp109Glu (NM_001243960.2, NM_015277.6); short protein forms D101E, D109E.
Identifiers: ClinVar variation 1059466 (VCV001059466.10), dbSNP rs758747799, ClinGen allele CA300901517.
Genomic context (GRCh38, chr18:58,316,011, plus strand): 5'-AAACACTAACTCTTTGTTCTCTTCCTAACAGACACGAGACGACTTCCTGGGCCAGGTGGA[C>A]GTGCCCCTTAGTCACCTTCCGGTAAGGACAGTCTCATGTTTGATGCTTCGTGCTGGGGGC-3'
Protein context (NP_001138439.1, residues 99-119): LTRDDFLGQV[Asp109Glu]VPLSHLPTED

ClinVar aggregate classification (germline): Uncertain significance. Review status: criteria provided, multiple submitters, no conflicts (2 of 4 stars). 2 submissions from 2 submitters: Uncertain significance (2). Last evaluated 2025-11-24.

Conditions:
Inborn genetic diseases. Identifiers: MedGen C0950123, MeSH D030342.

gnomAD v4.1: 2 of 1,613,474 alleles (0.00012%); highest among the groups gnomAD compares: Admixed American, 0.0033%; no homozygotes.

Submissions (2):

Ambry Genetics
Classification: Uncertain significance for Inborn genetic diseases. Last evaluated: 2025-11-24. Review status: criteria provided, single submitter. Criteria: Ambry Variant Classification Scheme 2023. Collection method: clinical testing. Allele origin: germline.

Labcorp Genetics (formerly Invitae), Labcorp
Classification: Uncertain significance. Last evaluated: 2022-08-31. Review status: criteria provided, single submitter. Criteria: Invitae Variant Classification Sherloc (09022015). Collection method: clinical testing. Allele origin: germline.
Comment: This sequence change replaces aspartic acid, which is acidic and polar, with glutamic acid, which is acidic and polar, at codon 109 of the NEDD4L protein (p.Asp109Glu). In summary, the available evidence is currently insufficient to determine the role of this variant in disease. Therefore, it has been classified as a Variant of Uncertain Significance. Algorithms developed to predict the effect of missense changes on protein structure and function (SIFT, PolyPhen-2, Align-GVGD) all suggest that this variant is likely to be tolerated. ClinVar contains an entry for this variant (Variation ID: 1059466). This variant has not been reported in the literature in individuals affected with NEDD4L-related conditions. This variant is not present in population databases (gnomAD no frequency).